The following is an entry in ClinVar:

ClinVar aggregate classification (germline): Conflicting classifications of pathogenicity. Review status: criteria provided, conflicting classifications (1 of 4 stars). 10 submissions from 10 submitters: Uncertain significance (8); Likely benign (1). 1 of the submissions does not count toward it. Last evaluated 2025-11-03.

Conditions:
Breast-ovarian cancer, familial, susceptibility to, 1 (BROVCA1). Also called: BRCA1 Hereditary Breast and Ovarian Cancer; OVARIAN CANCER, SUSCEPTIBILITY TO. Identifiers: Orphanet 145, MedGen C2676676, MONDO:0011450, OMIM 604370. Disease mechanism: loss of function.
Familial cancer of breast. Also called: hereditary breast carcinoma; BREAST CANCER, FAMILIAL; Hereditary breast cancer. Identifiers: Orphanet 227535, MedGen C0346153, MONDO:0016419, OMIM 114480. Disease mechanism: loss of function.
Fanconi anemia, complementation group S (FANCS). Identifiers: MedGen C4554406, MONDO:0054748, OMIM 617883.
Pancreatic cancer, susceptibility to, 4. Identifiers: Orphanet 1333, MedGen C3280442, MONDO:0013685, OMIM 614320.
Hereditary breast ovarian cancer syndrome. Also called: BRCA1- and BRCA2-Associated Hereditary Breast and Ovarian Cancer; Hereditary breast and ovarian cancer syndrome; Hereditary breast and ovarian cancer syndrome (HBOC); Breast and ovarian cancer; Hereditary breast and/or ovarian cancer syndrome; Hereditary breast and ovarian cancer. Identifiers: Orphanet 145, MedGen C0677776, MeSH D061325, MONDO:0003582. Disease mechanism: loss of function.
Hereditary cancer-predisposing syndrome. Also called: Hereditary Cancer Syndrome; Hereditary neoplastic syndrome; Neoplastic Syndromes, Hereditary; Tumor predisposition. Identifiers: Orphanet 140162, MedGen C0027672, MeSH D009386, MONDO:0015356.

Allele frequency attached by ClinVar (database versions not stated): gnomAD exomes below 0.00001.
gnomAD v4.1: 2 of 1,614,018 alleles (0.00012%); highest among the groups gnomAD compares: Middle Eastern, 0.017%; no homozygotes.

Submissions (10):

Labcorp Genetics (formerly Invitae), Labcorp
Classification: Uncertain significance for Hereditary breast ovarian cancer syndrome. Last evaluated: 2025-11-03. Review status: criteria provided, single submitter. Criteria: Invitae Variant Classification Sherloc (09022015). Collection method: clinical testing. Allele origin: germline.
Comment: This sequence change replaces glutamine, which is neutral and polar, with arginine, which is basic and polar, at codon 284 of the BRCA1 protein (p.Gln284Arg). This variant is not present in population databases (gnomAD no frequency). This missense change has been observed in individual(s) with a personal or family history of breast and/or ovarian cancer (PMID: 16030099, 34284872). ClinVar contains an entry for this variant (Variation ID: 55739). Invitae Evidence Modeling of protein sequence and biophysical properties (such as structural, functional, and spatial information, amino acid conservation, physicochemical variation, residue mobility, and thermodynamic stability) has been performed for this missense variant. However, the output from this modeling did not meet the statistical confidence thresholds required to predict the impact of this variant on BRCA1 protein function. In summary, the available evidence is currently insufficient to determine the role of this variant in disease. Therefore, it has been classified as a Variant of Uncertain Significance.

Color Diagnostics, LLC DBA Color Health
Classification: Uncertain significance for Hereditary cancer-predisposing syndrome. Last evaluated: 2025-07-29. Review status: criteria provided, single submitter. Criteria: ACMG Guidelines, 2015. Collection method: clinical testing. Allele origin: germline.
Comment: This missense variant replaces glutamine with arginine at codon 284 of the BRCA1 protein. Computational prediction is inconclusive regarding the impact of this variant on protein structure and function. To our knowledge, functional studies have not been performed for this variant. This variant has been reported in four individuals affected with breast or ovarian cancer (PMID: 16030099, 34284872, 35402282). This variant has not been identified in the general population by the Genome Aggregation Database (gnomAD). The available evidence is insufficient to determine the role of this variant in disease conclusively. Therefore, this variant is classified as a Variant of Uncertain Significance.

Ambry Genetics
Classification: Uncertain significance for Hereditary cancer-predisposing syndrome. Last evaluated: 2025-05-22. Review status: criteria provided, single submitter. Criteria: Ambry Variant Classification Scheme 2023. Collection method: clinical testing. Allele origin: germline.
Comment: The p.Q284R variant (also known as c.851A>G), located in coding exon 9 of the BRCA1 gene, results from an A to G substitution at nucleotide position 851. The glutamine at codon 284 is replaced by arginine, an amino acid with highly similar properties. This alteration was identified in multiple individuals with a personal and/or family history of breast and/or ovarian cancer (Weitzel JN et al. Cancer Epidemiol. Biomarkers Prev., 2005 Jul;14:1666-71; Abdel-Razeq H et al. Front Oncol, 2022 Mar;12:673094). This amino acid position is well conserved in available vertebrate species. In addition, the in silico prediction for this alteration is inconclusive. Based on the available evidence, the clinical significance of this variant remains unclear.

Women's Health and Genetics/Laboratory Corporation of America, LabCorp
Classification: Uncertain significance. Last evaluated: 2025-01-10. Review status: criteria provided, single submitter. Criteria: LabCorp Variant Classification Summary - May 2015. Collection method: clinical testing. Allele origin: germline.
Comment: Variant summary: BRCA1 c.851A>G (p.Gln284Arg) results in a conservative amino acid change in the encoded protein sequence. Four of five in-silico tools predict a benign effect of the variant on protein function. The variant was absent in 251110 control chromosomes. The available data on variant occurrences in the general population are insufficient to allow any conclusion about variant significance. c.851A>G has been reported in the literature in individuals affected with Hereditary Breast And Ovarian Cancer Syndrome (Weitzel_2005, Krivokuca_2022). These report(s) do not provide unequivocal conclusions about association of the variant with Hereditary Breast And Ovarian Cancer Syndrome. Co-occurrences with other pathogenic variant(s) have been reported (BRCA1 c.4327C>T, p.Arg1443X) in the BIC database, providing supporting evidence for a benign role. To our knowledge, no experimental evidence demonstrating an impact on protein function has been reported. The following publications have been ascertained in the context of this evaluation (PMID: 16518693, 16030099, 12531920, 34284872). ClinVar contains an entry for this variant (Variation ID: 55739). Based on the evidence outlined above, the variant was classified as VUS-possibly benign.

ARUP Laboratories, Molecular Genetics and Genomics, ARUP Laboratories
Classification: Uncertain significance. Last evaluated: 2024-08-06. Review status: criteria provided, single submitter. Criteria: ARUP Molecular Germline Variant Investigation Process 2024. Collection method: clinical testing. Allele origin: germline.
Comment: The BRCA1 c.851A>G; p.Gln284Arg variant (rs80357039, ClinVar Variation ID: 55739) is reported in the literature in individuals with hereditary breast and ovarian cancer but without strong evidence for causality (Abdel-Razeq 2022, Krivokuca 2022, Weitzel 2005). This variant is absent from the Genome Aggregation Database (v2.1.1 non-cancer), indicating it is not a common polymorphism. Computational analyses are uncertain whether this variant is neutral or deleterious (REVEL: 0.595). Due to limited information, the clinical significance of this variant is uncertain at this time. References: Abdel-Razeq H et al. Rates of Variants of Uncertain Significance Among Patients With Breast Cancer Undergoing Genetic Testing: Regional Perspectives. Front Oncol. 2022 Mar 25;12:673094. PMID: 35402282. Krivokuca A et al. Mutational profile of hereditary breast and ovarian cancer - Establishing genetic testing guidelines in a developing country. Curr Probl Cancer. 2022 Feb;46(1):100767. PMID: 34284872. Weitzel JN et al. Prevalence of BRCA mutations and founder effect in high-risk Hispanic families. Cancer Epidemiol Biomarkers Prev. 2005 Jul;14(7):1666-71. PMID: 16030099.

University of Washington Department of Laboratory Medicine, University of Washington
Classification: Likely benign for Hereditary cancer-predisposing syndrome. Last evaluated: 2023-03-23. Review status: criteria provided, single submitter. Criteria: Dines et al. (Genet Med. 2020). Collection method: curation. Allele origin: germline.
Comment: Missense variant in a coldspot region where missense variants are very unlikely to be pathogenic (PMID:31911673).

BRCA1 coldspot (exon 11 using historical exon numbering). Reclassification based on statistical prior probability

Quest Diagnostics Nichols Institute San Juan Capistrano
Classification: Uncertain significance. Last evaluated: 2021-08-07. Review status: criteria provided, single submitter. Criteria: Quest Diagnostics criteria. Collection method: clinical testing. Allele origin: unknown.

GeneDx
Classification: Uncertain significance. Last evaluated: 2019-10-03. Review status: criteria provided, single submitter. Criteria: GeneDx Variant Classification Process June 2021. Collection method: clinical testing. Allele origin: germline. Affected: yes.
Comment: Not observed in large population cohorts (Lek 2016); In silico analysis, which includes protein predictors and evolutionary conservation, supports a deleterious effect; Published functional studies demonstrate a damaging effect: results in impaired E3 ligase activity (Starita 2015); Observed in individuals with a personal and/or family history of breast and/or ovarian cancer (Weitzel 2005); Also known as 970A>G; This variant is associated with the following publications: (PMID: 25823446, 10923033, 12531920, 16030099, 16518693)

Fulgent Genetics
Classification: Uncertain significance for Familial cancer of breast; Breast-ovarian cancer, familial, susceptibility to, 1; Pancreatic cancer, susceptibility to, 4; Fanconi anemia, complementation group S. Last evaluated: 2018-10-31. Review status: criteria provided, single submitter. Criteria: ACMG Guidelines, 2015. Collection method: clinical testing. Allele origin: unknown.

Breast Cancer Information Core (BIC) (BRCA1)
Classification: Uncertain significance for Breast-ovarian cancer, familial 1. Last evaluated: 2002-05-29. Review status: no assertion criteria provided. Collection method: clinical testing. Allele origin: germline. Affected: yes. Observed: 1 variant allele. Not counted in ClinVar's aggregate classification.

Literature cited by the submitters: PubMed 16030099 (cited by 5 submitters); PubMed 34284872 (cited by 3 submitters); PubMed 35402282 (cited by Color Diagnostics, LLC DBA Color Health and Ambry Genetics); PubMed 12531920 (cited by 3 submitters); PubMed 16518693 (cited by 3 submitters).

NM_007294.4(BRCA1):c.851A>G (p.Gln284Arg)

Gene: BRCA1 (BRCA1 DNA repair associated; minus strand). Cytogenetic location: 17q21.31.
Variant type: single nucleotide variant.
Coding change: c.851A>G on transcript NM_007294.4 (MANE Select); coding-DNA position 851, A replaced by G.
Protein change: p.Gln284Arg; replaces glutamine 284 with arginine.
Molecular consequence: missense variant. On other transcripts: 5 prime UTR variant (2), intron variant (137).
Genome position (GRCh38, 1-based): chr17:43,094,680, T>C on the plus strand (A>G on the coding strand, the complement: BRCA1 is on the minus strand). VCF-style: chr17-43094680-T-C. GRCh37 (hg19) VCF-style: chr17-41246697-T-C.
Other names: c.641A>G, p.Gln214Arg (NM_001407910.1, NM_001407879.1, NM_001407881.1 and 13 more transcripts); c.638A>G, p.Gln213Arg (NM_001407915.1, NM_001407916.1, NM_001407917.1 and 9 more transcripts); c.587A>G, p.Gln196Arg (NM_001407928.1, NM_001407929.1, NM_001407933.1 and 9 more transcripts); c.584A>G, p.Gln195Arg (NM_001407930.1, NM_001407931.1, NM_001407932.1 and 2 more transcripts); c.518A>G, p.Gln173Arg (NM_001407947.1, NM_001407948.1, NM_001407949.1 and 6 more transcripts); c.515A>G, p.Gln172Arg (NM_001407954.1, NM_001407955.1, NM_001407956.1 and 1 more transcripts); c.470A>G, p.Gln157Arg (NM_001407959.1, NM_001407960.1, NM_001407963.1); c.467A>G, p.Gln156Arg (NM_001407962.1); and 40 more; short protein forms Q284R, Q237R, Q116R, Q172R, Q195R, Q196R, Q257R, Q281R.
Identifiers: ClinVar variation 55739 (VCV000055739.32), dbSNP rs80357039, ClinGen allele CA003942.
Genomic context (GRCh38, chr17:43,094,680, plus strand): 5'-AATTCAGCCTTTTCTACATTCATTCTGTCTTTAGTGAGTAATAAACTGCTGTTCTCATGC[T>C]GTAATGAGCTGGCATGAGTATTTGTGCCACATGGCTCCACATGCAAGTTTGAAACAGAAC-3'
Protein context (NP_009225.1, residues 274-294): CGTNTHASSL[Gln284Arg]HENSSLLLTK